The following is an entry in ClinVar:

ClinVar aggregate classification (germline): Uncertain significance (1 of 4 stars; one submission).

Allele frequency attached by ClinVar (database versions not stated): gnomAD exomes below 0.00001; TOPMed 0.00001.
gnomAD v4.1: 1 of 1,614,162 alleles (0.000062%); highest among the groups gnomAD compares: Non-Finnish European, 0.000085%; no homozygotes.

Submission:

Labcorp Genetics (formerly Invitae), Labcorp
Classification: Uncertain significance. Last evaluated: 2022-01-08. Review status: criteria provided, single submitter. Criteria: Invitae Variant Classification Sherloc (09022015). Collection method: clinical testing. Allele origin: germline.
Comment: This sequence change replaces serine, which is neutral and polar, with phenylalanine, which is neutral and non-polar, at codon 4284 of the USH2A protein (p.Ser4284Phe). This variant is present in population databases (no rsID available, gnomAD 0.0009%). This variant has not been reported in the literature in individuals affected with USH2A-related conditions. Algorithms developed to predict the effect of missense changes on protein structure and function are either unavailable or do not agree on the potential impact of this missense change (SIFT: "Deleterious"; PolyPhen-2: "Benign"; Align-GVGD: "Class C65"). In summary, the available evidence is currently insufficient to determine the role of this variant in disease. Therefore, it has been classified as a Variant of Uncertain Significance.

NM_206933.4(USH2A):c.12851C>T (p.Ser4284Phe)

Gene: USH2A (usherin; minus strand). Cytogenetic location: 1q41.
Variant type: single nucleotide variant.
Coding change: c.12851C>T on transcript NM_206933.4 (MANE Select); coding-DNA position 12851, C replaced by T.
Protein change: p.Ser4284Phe; replaces serine 4284 with phenylalanine.
Molecular consequence: missense variant.
Genome position (GRCh38, 1-based): chr1:215,675,060, G>A on the plus strand (C>T on the coding strand, the complement: USH2A is on the minus strand). VCF-style: chr1-215675060-G-A. GRCh37 (hg19) VCF-style: chr1-215848402-G-A.
Other names: short protein forms S4284F.
Identifiers: ClinVar variation 1923229 (VCV001923229.5), dbSNP rs1558048641, ClinGen allele CA344848708.